The following is an entry in ClinVar:

NM_007294.4(BRCA1):c.741del (p.Asn247fs)

Gene: BRCA1 (BRCA1 DNA repair associated; minus strand). Cytogenetic location: 17q21.31.
Variant type: Deletion.
Coding change: c.741del on transcript NM_007294.4 (MANE Select); coding-DNA position 741, one base deleted (C; older notation c.741delC).
Protein change: p.Asn247fs; shifts the reading frame from asparagine 247.
Molecular consequence: frameshift variant. On other transcripts: 5 prime UTR variant (2), intron variant (13).
Genome position (GRCh38, 1-based): chr17:43,094,790, G deleted on the plus strand (C on the coding strand, the reverse complement: BRCA1 is on the minus strand). VCF-style (leftmost placement, unchanged base first): chr17-43094789-TG-T. GRCh37 (hg19) VCF-style: chr17-41246806-TG-T.
Other names: c.597del, p.Asn199fs (NM_001408464.1, NM_001408465.1, NM_001408468.1 and 26 more transcripts); c.600del, p.Asn200fs (NM_001408466.1, NM_001408467.1, NM_001408469.1 and 43 more transcripts); c.741del, p.Asn247fs (NM_001408472.1, NM_001407968.1, NM_001407969.1 and 53 more transcripts); c.738del, p.Asn246fs (NM_001408473.1, NM_001407972.1, NM_001407984.1 and 38 more transcripts); c.540del, p.Asn180fs (NM_001408474.1, NM_001408476.1, NM_001407862.1); c.531del, p.Asn177fs (NM_001407886.1, NM_001407887.1, NM_001407889.1 and 25 more transcripts); c.528del, p.Asn176fs (NM_001407894.1, NM_001407895.1, NM_001407896.1 and 12 more transcripts); c.618del, p.Asn206fs (NM_001407919.1, NM_001407937.1, NM_001407938.1 and 34 more transcripts); and 20 more; short protein forms N119fs, N120fs, N135fs, N136fs, N158fs, N159fs, N176fs, N177fs.
Identifiers: ClinVar variation 3254408 (VCV003254408.1), dbSNP rs2552230260.

ClinVar aggregate classification (germline): Pathogenic (1 of 4 stars; one submission).

Conditions:
Breast-ovarian cancer, familial, susceptibility to, 1 (BROVCA1). Also called: BRCA1 Hereditary Breast and Ovarian Cancer; OVARIAN CANCER, SUSCEPTIBILITY TO. Identifiers: Orphanet 145, MedGen C2676676, MONDO:0011450, OMIM 604370. Disease mechanism: loss of function.

Submission:

Myriad Genetics, Inc.
Classification: Pathogenic for Breast-ovarian cancer, familial, susceptibility to, 1. Last evaluated: 2024-06-19. Review status: criteria provided, single submitter. Criteria: Myriad Autosomal Dominant, Autosomal Recessive and X-Linked Classification Criteria (2023). Collection method: clinical testing. Allele origin: unknown.
Comment: This variant is considered pathogenic. This variant creates a frameshift predicted to result in premature protein truncation.